The following is an entry in ClinVar:

NM_201596.3(CACNB2):c.1757G>T (p.Arg586Leu)

Gene: CACNB2 (calcium voltage-gated channel auxiliary subunit beta 2; plus strand). Cytogenetic location: 10p12.31.
Variant type: single nucleotide variant.
Coding change: c.1757G>T on transcript NM_201596.3 (MANE Select); coding-DNA position 1757, G replaced by T.
Protein change: p.Arg586Leu; replaces arginine 586 with leucine.
Molecular consequence: missense variant.
Genome position (GRCh38, 1-based): chr10:18,539,498, G>T. VCF-style: chr10-18539498-G-T. GRCh37 (hg19) VCF-style: chr10-18828427-G-T.
Other names: c.1592G>T, p.Arg531Leu (NM_000724.4); c.1559G>T, p.Arg520Leu (NM_001167945.2); c.1478G>T, p.Arg493Leu (NM_001330060.2); c.1613G>T, p.Arg538Leu (NM_201570.3); c.1673G>T, p.Arg558Leu (NM_201571.4); c.1601G>T, p.Arg534Leu (NM_201572.4); c.1595G>T, p.Arg532Leu (NM_201590.3); c.1643G>T, p.Arg548Leu (NM_201593.3); and 1 more; short protein forms R558L, R586L, R493L, R538L, R548L, R531L, R532L, R562L.
Identifiers: ClinVar variation 1359302 (VCV001359302.6), dbSNP rs747168096, ClinGen allele CA5430162.
Genomic context (GRCh38, chr10:18,539,498, plus strand): 5'-CCTACGTAGAGCCAAAGGAAGATTATTCCCATGACCACGTGGACCACTATGCCTCACACC[G>T]TGACCACAACCACAGAGACGAGACCCACGGGAGCAGTGACCACAGACACAGGGAGTCCCG-3'
Protein context (NP_963890.2, residues 576-596): HDHVDHYASH[Arg586Leu]DHNHRDETHG

ClinVar aggregate classification (germline): Uncertain significance (1 of 4 stars; one submission).

Conditions:
Brugada syndrome 4 (BRGDA4). Identifiers: Orphanet 130, MedGen C2678477, MONDO:0012743, OMIM 611876.

gnomAD v4.1: 2 of 1,613,836 alleles (0.00012%); highest among the groups gnomAD compares: Non-Finnish European, 0.00017%; no homozygotes.

Submission:

Labcorp Genetics (formerly Invitae), Labcorp
Classification: Uncertain significance for Brugada syndrome 4. Last evaluated: 2021-09-09. Review status: criteria provided, single submitter. Criteria: Invitae Variant Classification Sherloc (09022015). Collection method: clinical testing. Allele origin: germline.
Comment: This variant has not been reported in the literature in individuals affected with CACNB2-related conditions. In summary, the available evidence is currently insufficient to determine the role of this variant in disease. Therefore, it has been classified as a Variant of Uncertain Significance. Algorithms developed to predict the effect of missense changes on protein structure and function are either unavailable or do not agree on the potential impact of this missense change (SIFT: "Tolerated"; PolyPhen-2: "Possibly Damaging"; Align-GVGD: "Class C0"). This variant is present in population databases (rs747168096, ExAC 0.001%). This sequence change replaces arginine with leucine at codon 532 of the CACNB2 protein (p.Arg532Leu). The arginine residue is highly conserved and there is a moderate physicochemical difference between arginine and leucine.